The following is an entry in ClinVar:

ClinVar aggregate classification (germline): Uncertain significance (1 of 4 stars; one submission).

Conditions:
Severe combined immunodeficiency due to DNA-PKcs deficiency. Also called: IMMUNODEFICIENCY 26 WITH NEUROLOGIC ABNORMALITIES; Immunodeficiency 26 with or without neurologic abnormalities. Identifiers: Orphanet 317425, MedGen C4014833, MONDO:0014423, OMIM 615966.

Submission:

Labcorp Genetics (formerly Invitae), Labcorp
Classification: Uncertain significance for Severe combined immunodeficiency due to DNA-PKcs deficiency. Last evaluated: 2022-07-25. Review status: criteria provided, single submitter. Criteria: Invitae Variant Classification Sherloc (09022015). Collection method: clinical testing. Allele origin: germline.
Comment: This sequence change replaces leucine, which is neutral and non-polar, with tryptophan, which is neutral and slightly polar, at codon 1597 of the PRKDC protein (p.Leu1597Trp). This variant is not present in population databases (gnomAD no frequency). This variant has not been reported in the literature in individuals affected with PRKDC-related conditions. Experimental studies and prediction algorithms are not available or were not evaluated, and the functional significance of this variant is currently unknown. In summary, the available evidence is currently insufficient to determine the role of this variant in disease. Therefore, it has been classified as a Variant of Uncertain Significance.

NM_006904.7(PRKDC):c.4790T>G (p.Leu1597Trp)

Gene: PRKDC (protein kinase, DNA-activated, catalytic subunit; minus strand). Cytogenetic location: 8q11.21.
Variant type: single nucleotide variant.
Coding change: c.4790T>G on transcript NM_006904.7 (MANE Select); coding-DNA position 4790, T replaced by G.
Protein change: p.Leu1597Trp; replaces leucine 1597 with tryptophan.
Molecular consequence: missense variant.
Genome position (GRCh38, 1-based): chr8:47,882,084, A>C on the plus strand (T>G on the coding strand, the complement: PRKDC is on the minus strand). VCF-style: chr8-47882084-A-C. GRCh37 (hg19) VCF-style: chr8-48794645-A-C.
Other names: c.4790T>G, p.Leu1597Trp (NM_001081640.2); short protein forms L1597W.
Identifiers: ClinVar variation 1719475 (VCV001719475.5), dbSNP rs2551872737, ClinGen allele CA371142208.